The following is an entry in ClinVar:

ClinVar aggregate classification (germline): Conflicting classifications of pathogenicity. Review status: criteria provided, conflicting classifications (1 of 4 stars). 14 submissions from 12 submitters: Uncertain significance (2); Benign (3); Likely benign (4). 5 of the submissions do not count toward it. Last evaluated 2026-05-01.

Conditions:
RPGRIP1-related disorder. Also called: RPGRIP1-related condition.
Retinal dystrophy. Also called: Inherited retinal dystrophy. Identifiers: Orphanet 71862, MedGen C0854723, MeSH D058499, MONDO:0019118, HP:0000556.
Cone-rod dystrophy 13 (CORD13). Identifiers: Orphanet 1872, MedGen C2750720, MONDO:0011987, OMIM 608194.
Leber congenital amaurosis 6 (LCA6). Identifiers: Orphanet 65, MedGen C1854260, MONDO:0013446, OMIM 613826.

Allele frequency attached by ClinVar (database versions not stated): 1000 Genomes Project 30x 0.00172; 1000 Genomes Project 0.00180; gnomAD 0.00240 and 0.00250; TOPMed 0.00242; gnomAD exomes 0.00286 and 0.00329; ESP Exome Variant Server 0.00318; ExAC 0.00423.
gnomAD v4.1: 4,595 of 1,612,554 alleles (0.28%); highest among the groups gnomAD compares: Middle Eastern, 0.96%; 19 homozygotes.

Submissions (14):

CeGaT Center for Human Genetics Tuebingen
Classification: Likely benign. Last evaluated: 2026-05-01. Review status: criteria provided, single submitter. Criteria: CeGaT Center For Human Genetics Tuebingen Variant Classification Criteria Version 2. Collection method: clinical testing. Allele origin: germline. Affected: yes. Observed: 5 variant alleles.
Comment: RPGRIP1: BP4, BS2

Labcorp Genetics (formerly Invitae), Labcorp
Classification: Benign for Leber congenital amaurosis 6; Cone-rod dystrophy 13. Last evaluated: 2026-02-01. Review status: criteria provided, single submitter. Criteria: Invitae Variant Classification Sherloc (09022015). Collection method: clinical testing. Allele origin: germline.

Blueprint Genetics
Classification: Likely benign. Last evaluated: 2024-11-23. Review status: criteria provided, single submitter. Criteria: ACMG Guidelines, 2015. Collection method: clinical testing. Allele origin: germline.

Genome-Nilou Lab
Classification: Likely benign for Leber congenital amaurosis 6. Last evaluated: 2021-11-07. Review status: criteria provided, single submitter. Criteria: ACMG Guidelines, 2015. Collection method: clinical testing. Allele origin: germline. Affected: no.

Genome-Nilou Lab
Classification: Likely benign for Cone-rod dystrophy 13. Last evaluated: 2021-11-07. Review status: criteria provided, single submitter. Criteria: ACMG Guidelines, 2015. Collection method: clinical testing. Allele origin: germline. Affected: no.

ARUP Laboratories, Molecular Genetics and Genomics, ARUP Laboratories
Classification: Benign. Last evaluated: 2020-04-13. Review status: criteria provided, single submitter. Criteria: ARUP Molecular Germline Variant Investigation Process. Collection method: clinical testing. Allele origin: germline.

Illumina Laboratory Services, Illumina
Classification: Uncertain significance for Cone-rod dystrophy 13. Last evaluated: 2018-01-13. Review status: criteria provided, single submitter. Criteria: ICSL Variant Classification Criteria 13 December 2019. Collection method: clinical testing. Allele origin: germline.

Illumina Laboratory Services, Illumina
Classification: Uncertain significance for Leber congenital amaurosis 6. Last evaluated: 2018-01-13. Review status: criteria provided, single submitter. Criteria: ICSL Variant Classification Criteria 13 December 2019. Collection method: clinical testing. Allele origin: germline.

Eurofins Ntd Llc (ga)
Classification: Benign. Last evaluated: 2016-01-04. Review status: criteria provided, single submitter. Criteria: EGL Classification Definitions 2015. Collection method: clinical testing. Allele origin: germline. Observed: 1 variant allele, 1 heterozygote.

PreventionGenetics, part of Exact Sciences
Classification: Benign for RPGRIP1-related condition. Last evaluated: 2019-05-13. Review status: no assertion criteria provided. Collection method: clinical testing. Allele origin: germline. Not counted in ClinVar's aggregate classification.
Comment: This variant is classified as benign based on ACMG/AMP sequence variant interpretation guidelines (Richards et al. 2015 PMID: 25741868, with internal and published modifications).

Institute of Human Genetics, Univ. Regensburg, Univ. Regensburg
Classification: Uncertain significance for Retinal dystrophy. Last evaluated: 2013-01-01. Review status: no assertion criteria provided. Criteria: ACMG Guidelines, 2015. Collection method: clinical testing. Allele origin: germline. Affected: yes. Not counted in ClinVar's aggregate classification.

Clinical Genetics DNA and cytogenetics Diagnostics Lab, Erasmus MC, Erasmus Medical Center
Classification: Likely benign. Review status: no assertion criteria provided. Collection method: clinical testing. Allele origin: germline. Affected: yes. Study: VKGL Data-share Consensus. Not counted in ClinVar's aggregate classification.

Clinical Genetics, Academic Medical Center
Classification: Likely benign. Review status: no assertion criteria provided. Collection method: clinical testing. Allele origin: germline. Affected: yes. Study: VKGL Data-share Consensus. Not counted in ClinVar's aggregate classification.

Genome Diagnostics Laboratory, University Medical Center Utrecht
Classification: Likely benign. Review status: no assertion criteria provided. Collection method: clinical testing. Allele origin: germline. Affected: yes. Study: VKGL Data-share Consensus. Not counted in ClinVar's aggregate classification.

NM_020366.4(RPGRIP1):c.2284C>T (p.Leu762=)

Gene: RPGRIP1 (RPGR interacting protein 1; plus strand). Cytogenetic location: 14q11.2.
Variant type: single nucleotide variant.
Coding change: c.2284C>T on transcript NM_020366.4 (MANE Select); coding-DNA position 2284, C replaced by T.
Protein change: p.Leu762=; no amino-acid change (leucine 762 retained).
Molecular consequence: synonymous variant. On other transcripts: intron variant (4).
Genome position (GRCh38, 1-based): chr14:21,325,300, C>T. VCF-style: chr14-21325300-C-T. GRCh37 (hg19) VCF-style: chr14-21793459-C-T.
Other names: c.1210C>T, p.Leu404= (NM_001377948.1); c.796+575C>T (NM_001377949.1); c.689-2323C>T (NM_001377523.1, NM_001377950.1); c.191-2323C>T (NM_001377951.1).
Identifiers: ClinVar variation 285038 (VCV000285038.59), dbSNP rs145896974, ClinGen allele CA7089204.